The following is an entry in ClinVar:

ClinVar aggregate classification (germline): Uncertain significance (1 of 4 stars; one submission).

Submission:

Labcorp Genetics (formerly Invitae), Labcorp
Classification: Uncertain significance. Last evaluated: 2024-11-10. Review status: criteria provided, single submitter. Criteria: Invitae Variant Classification Sherloc (09022015). Collection method: clinical testing. Allele origin: germline.
Comment: This sequence change creates a premature translational stop signal (p.Tyr54Thrfs*59) in the LOXL3 gene. It is expected to result in an absent or disrupted protein product. However, the current clinical and genetic evidence is not sufficient to establish whether loss-of-function variants in LOXL3 cause disease. This variant is not present in population databases (gnomAD no frequency). This variant has not been reported in the literature in individuals affected with LOXL3-related conditions. In summary, the available evidence is currently insufficient to determine the role of this variant in disease. Therefore, it has been classified as a Variant of Uncertain Significance.

NM_032603.5(LOXL3):c.159del (p.Tyr54fs)

Genes: DOK1 (docking protein 1; plus strand), LOXL3 (lysyl oxidase like 3; minus strand). Cytogenetic location: 2p13.1.
Variant type: Deletion.
Coding change: c.159del on transcript NM_032603.5 (MANE Select); coding-DNA position 159, one base deleted (C; older notation c.159delC).
Protein change: p.Tyr54fs; shifts the reading frame from tyrosine 54.
Molecular consequence: frameshift variant. On other transcripts: intron variant (1).
Genome position (GRCh38, 1-based): chr2:74,552,476, G deleted on the plus strand (C on the coding strand, the reverse complement: LOXL3 is on the minus strand); the first of 3 consecutive G bases (chr2:74,552,476-74,552,478); deleting any one gives the same sequence. VCF-style (leftmost placement, unchanged base first): chr2-74552475-AG-A. GRCh37 (hg19) VCF-style: chr2-74779602-AG-A.
Other names: c.159del, p.Tyr54fs (NM_001289164.3); c.-357-2676del (NM_001197260.2); short protein forms Y54fs.
Identifiers: ClinVar variation 3670084 (VCV003670084.2).